The following is an entry in ClinVar:

NM_014314.4(RIGI):c.2027C>A (p.Pro676Gln)

Gene: RIGI (RNA sensor RIG-I; minus strand). Cytogenetic location: 9p21.1.
Variant type: single nucleotide variant.
Coding change: c.2027C>A on transcript NM_014314.4 (MANE Select); coding-DNA position 2027, C replaced by A.
Protein change: p.Pro676Gln; replaces proline 676 with glutamine.
Molecular consequence: missense variant. On other transcripts: intron variant (1).
Genome position (GRCh38, 1-based): chr9:32,467,920, G>T on the plus strand (C>A on the coding strand, the complement: RIGI is on the minus strand). VCF-style: chr9-32467920-G-T. GRCh37 (hg19) VCF-style: chr9-32467918-G-T.
Other names: c.2021C>A, p.Pro674Gln (NM_001385907.1); c.1586C>A, p.Pro529Gln (NM_001385910.1); c.1418C>A, p.Pro473Gln (NM_001385912.1); c.2012C>A, p.Pro671Gln (NM_001385913.1); c.1583C>A, p.Pro528Gln (NM_001385914.1); c.2015-1479C>A (NM_001385909.1); short protein forms P671Q, P674Q, P676Q, P473Q, P528Q, P529Q.
Identifiers: ClinVar variation 2981814 (VCV002981814.3), dbSNP rs374942642, ClinGen allele CA373146501.

ClinVar aggregate classification (germline): Uncertain significance (1 of 4 stars; one submission).

gnomAD v4.1: 14 of 1,591,298 alleles (0.00088%); highest among the groups gnomAD compares: African/African-American, 0.012%; no homozygotes.

Submission:

Labcorp Genetics (formerly Invitae), Labcorp
Classification: Uncertain significance. Last evaluated: 2024-05-16. Review status: criteria provided, single submitter. Criteria: Invitae Variant Classification Sherloc (09022015). Collection method: clinical testing. Allele origin: germline.
Comment: This sequence change replaces proline, which is neutral and non-polar, with glutamine, which is neutral and polar, at codon 676 of the DDX58 protein (p.Pro676Gln). The frequency data for this variant in the population databases is considered unreliable, as metrics indicate poor data quality at this position in the gnomAD database. This variant has not been reported in the literature in individuals affected with DDX58-related conditions. Advanced modeling of protein sequence and biophysical properties (such as structural, functional, and spatial information, amino acid conservation, physicochemical variation, residue mobility, and thermodynamic stability) performed at Invitae indicates that this missense variant is not expected to disrupt DDX58 protein function with a negative predictive value of 80%. In summary, the available evidence is currently insufficient to determine the role of this variant in disease. Therefore, it has been classified as a Variant of Uncertain Significance.